The following is an entry in ClinVar:

NM_000550.3(TYRP1):c.554A>G (p.Tyr185Cys)

Gene: TYRP1 (tyrosinase related protein 1; plus strand). Cytogenetic location: 9p23.
Variant type: single nucleotide variant.
Coding change: c.554A>G on transcript NM_000550.3 (MANE Select); coding-DNA position 554, A replaced by G.
Protein change: p.Tyr185Cys; replaces tyrosine 185 with cysteine.
Molecular consequence: missense variant.
Genome position (GRCh38, 1-based): chr9:12,695,683, A>G. VCF-style: chr9-12695683-A-G. GRCh37 (hg19) VCF-style: chr9-12695683-A-G.
Other names: short protein forms Y185C.
Identifiers: ClinVar variation 3393457 (VCV003393457.2).

ClinVar aggregate classification (germline): Likely pathogenic (1 of 4 stars; one submission).

Conditions:
Oculocutaneous albinism type 3 (OCA3). Also called: ALBINISM III; Rufous OCA; Rufous albinism; Albinism, oculocutaneous, type III; RUFOUS OCULOCUTANEOUS ALBINISM; XANTHISM. Identifiers: Orphanet 79433, MedGen C0342683, MONDO:0008747, OMIM 203290.

gnomAD v4.1: 7 of 1,614,098 alleles (0.00043%); highest among the groups gnomAD compares: African/African-American, 0.008%; no homozygotes.

Submission:

Institute of Human Genetics, University of Goettingen
Classification: Likely pathogenic for Oculocutaneous albinism type 3. Last evaluated: 2024-08-22. Review status: criteria provided, single submitter. Criteria: ACMG Guidelines, 2015. Collection method: clinical testing. Allele origin: biparental. Inheritance: Autosomal recessive inheritance. Affected: yes. Observed: 1 compound heterozygote.
Comment: The variant c.554A>G (p.(Tyr185Cys)) in exon 3 of the TYRP1-gene is not found in the gnomAD database, it affects a highly conserved nucleotide, and a highly conserved amino acid. There is a large physicochemical difference between Tyr and Cys. This variant has a pathogenic computational verdict based on in silico prediction algorithms. ACMG criteria used for classification: PP4, PM2_sup, PP3_str, PM3.